The following is an entry in ClinVar:

NM_001447.3(FAT2):c.10236C>G (p.Ile3412Met)

Genes: FAT2 (FAT atypical cadherin 2; minus strand), SLC36A1 (solute carrier family 36 member 1; plus strand). Cytogenetic location: 5q33.1.
Variant type: single nucleotide variant.
Coding change: c.10236C>G on transcript NM_001447.3 (MANE Select); coding-DNA position 10236, C replaced by G.
Protein change: p.Ile3412Met; replaces isoleucine 3412 with methionine.
Molecular consequence: missense variant.
Genome position (GRCh38, 1-based): chr5:151,527,306, G>C on the plus strand (C>G on the coding strand, the complement: FAT2 is on the minus strand). VCF-style: chr5-151527306-G-C. GRCh37 (hg19) VCF-style: chr5-150906867-G-C.
Other names: c.10236C>G (NM_001447.2); short protein forms I3412M.
Identifiers: ClinVar variation 2985198 (VCV002985198.4), dbSNP rs375180413, ClinGen allele CA3520323.
Genomic context (GRCh38, chr5:151,527,306, plus strand): 5'-GCTGTAGTTGAGCTGGAAGAATCTCGGTGGGTTATCATTGACATCAGCCACTTGGATAGC[G>C]ATGTCTGTGTCCTCATGCAGTGGAGGCTGCCCACTGTCTGTGGCTCGGAGCTTCAGGGAA-3'
Protein context (NP_001438.1, residues 3402-3422): GQPPLHEDTD[Ile3412Met]AIQVADVNDN

ClinVar aggregate classification (germline): Uncertain significance. Review status: criteria provided, multiple submitters, no conflicts (2 of 4 stars). 2 submissions from 2 submitters: Uncertain significance (2). Last evaluated 2023-10-02.

gnomAD v4.1: 3 of 1,613,760 alleles (0.00019%); highest among the groups gnomAD compares: Admixed American, 0.005%; no homozygotes.

Submissions (2):

Ambry Genetics
Classification: Uncertain significance. Last evaluated: 2023-10-02. Review status: criteria provided, single submitter. Criteria: Ambry Variant Classification Scheme 2023. Collection method: clinical testing. Allele origin: germline.

Labcorp Genetics (formerly Invitae), Labcorp
Classification: Uncertain significance. Last evaluated: 2023-01-22. Review status: criteria provided, single submitter. Criteria: Invitae Variant Classification Sherloc (09022015). Collection method: clinical testing. Allele origin: germline.
Comment: Algorithms developed to predict the effect of missense changes on protein structure and function are either unavailable or do not agree on the potential impact of this missense change (SIFT: "Deleterious"; PolyPhen-2: "Possibly Damaging"; Align-GVGD: "Class C0"). In summary, the available evidence is currently insufficient to determine the role of this variant in disease. Therefore, it has been classified as a Variant of Uncertain Significance. This variant has not been reported in the literature in individuals affected with FAT2-related conditions. This variant is present in population databases (rs375180413, gnomAD 0.006%). This sequence change replaces isoleucine, which is neutral and non-polar, with methionine, which is neutral and non-polar, at codon 3412 of the FAT2 protein (p.Ile3412Met).